The following is an entry in ClinVar:

NM_004715.5(CTDP1):c.277G>C (p.Glu93Gln)

Gene: CTDP1 (CTD phosphatase subunit 1; plus strand). Cytogenetic location: 18q23.
Variant type: single nucleotide variant.
Coding change: c.277G>C on transcript NM_004715.5 (MANE Select); coding-DNA position 277, G replaced by C.
Protein change: p.Glu93Gln; replaces glutamic acid 93 with glutamine.
Molecular consequence: missense variant.
Genome position (GRCh38, 1-based): chr18:79,680,224, G>C. VCF-style: chr18-79680224-G-C. GRCh37 (hg19) VCF-style: chr18-77440224-G-C.
Other names: c.277G>C, p.Glu93Gln (NM_001318511.2, NM_048368.4); short protein forms E93Q.
Identifiers: ClinVar variation 2111969 (VCV002111969.4), dbSNP rs2511987959, ClinGen allele CA402825305.

ClinVar aggregate classification (germline): Uncertain significance (1 of 4 stars; one submission).

gnomAD v4.1: 1 of 1,358,798 alleles (0.000074%); highest among the groups gnomAD compares: Non-Finnish European, 0.000094%; no homozygotes.

Submission:

Labcorp Genetics (formerly Invitae), Labcorp
Classification: Uncertain significance. Last evaluated: 2024-10-17. Review status: criteria provided, single submitter. Criteria: Invitae Variant Classification Sherloc (09022015). Collection method: clinical testing. Allele origin: germline.
Comment: This sequence change replaces glutamic acid, which is acidic and polar, with glutamine, which is neutral and polar, at codon 93 of the CTDP1 protein (p.Glu93Gln). This variant is not present in population databases (gnomAD no frequency). This variant has not been reported in the literature in individuals affected with CTDP1-related conditions. ClinVar contains an entry for this variant (Variation ID: 2111969). An algorithm developed to predict the effect of missense changes on protein structure and function (PolyPhen-2) suggests that this variant is likely to be disruptive. In summary, the available evidence is currently insufficient to determine the role of this variant in disease. Therefore, it has been classified as a Variant of Uncertain Significance.